The following is an entry in ClinVar:

NM_018426.3(TMEM63B):c.724C>G (p.Leu242Val)

Gene: TMEM63B (transmembrane protein 63B; plus strand). Cytogenetic location: 6p21.1.
Variant type: single nucleotide variant.
Coding change: c.724C>G on transcript NM_018426.3 (MANE Select); coding-DNA position 724, C replaced by G.
Protein change: p.Leu242Val; replaces leucine 242 with valine.
Molecular consequence: missense variant.
Genome position (GRCh38, 1-based): chr6:44,141,040, C>G. VCF-style: chr6-44141040-C-G. GRCh37 (hg19) VCF-style: chr6-44108777-C-G.
Other names: c.724C>G, p.Leu242Val (NM_001318792.1); short protein forms L242V.
Identifiers: ClinVar variation 3370189 (VCV003370189.1).

ClinVar aggregate classification (germline): Uncertain significance (1 of 4 stars; one submission).

Submission:

GeneDx
Classification: Uncertain significance. Last evaluated: 2023-12-21. Review status: criteria provided, single submitter. Criteria: GeneDx Variant Classification Process June 2021. Collection method: clinical testing. Allele origin: germline. Affected: yes.
Comment: Not observed at significant frequency in large population cohorts (gnomAD); In silico analysis supports that this missense variant has a deleterious effect on protein structure/function; Has not been previously published as pathogenic or benign to our knowledge